The following is an entry in ClinVar:

NM_006147.4(IRF6):c.9C>T (p.Leu3=)

Gene: IRF6 (interferon regulatory factor 6; minus strand). Cytogenetic location: 1q32.2.
Variant type: single nucleotide variant.
Coding change: c.9C>T on transcript NM_006147.4 (MANE Select); coding-DNA position 9, C replaced by T.
Protein change: p.Leu3=; no amino-acid change (leucine 3 retained).
Molecular consequence: synonymous variant. On other transcripts: intron variant (1).
Genome position (GRCh38, 1-based): chr1:209,801,405, G>A on the plus strand (C>T on the coding strand, the complement: IRF6 is on the minus strand). VCF-style: chr1-209801405-G-A. GRCh37 (hg19) VCF-style: chr1-209974750-G-A.
Other names: c.-112+4542C>T (NM_001206696.2).
Identifiers: ClinVar variation 295211 (VCV000295211.15), dbSNP rs78599614, ClinGen allele CA1377408.
Genomic context (GRCh38, chr1:209,801,405, plus strand): 5'-GTAGAGGCCACTATCCACCTGGGCCACCAGCCAGGGCTTTAGCCGGACTCTGCGGGGGTG[G>A]AGGGCCATGATCTGGGGGGGTCAGAGGGAGAAATGGGAAGAGCAGAAGAATTAGGCCAGC-3'
Protein context (NP_006138.1, residues 1-13): MA[Leu3=]HPRRVRLKPW

ClinVar aggregate classification (germline): Benign/Likely benign. Review status: criteria provided, multiple submitters, no conflicts (2 of 4 stars). 4 submissions from 3 submitters: Benign (2); Likely benign (2). Last evaluated 2025-08-11.

Conditions:
IRF6-related condition. Also called: IRF6-related disorder; IRF6-Related Disorders. Identifiers: MedGen CN378148, MONDO:1040010.
Orofacial cleft 6, susceptibility to (OFC6). Also called: CLEFT LIP WITH OR WITHOUT CLEFT PALATE, NONSYNDROMIC, 6. Identifiers: MedGen C1837213, MONDO:0012141, OMIM 608864.
Van der Woude syndrome 1. Also called: van der Woude Syndrome (VWS); CLEFT LIP AND/OR PALATE WITH MUCOUS CYSTS OF LOWER LIP. Identifiers: MedGen C4551864, MONDO:0007333, OMIM 119300.
Van der Woude syndrome. Identifiers: Orphanet 888, MedGen C0175697, MONDO:0019508.
Popliteal pterygium syndrome (PPS). Identifiers: Orphanet 294963, MedGen C0265259, MONDO:0017435.

Allele frequency attached by ClinVar (database versions not stated): gnomAD 0.00009 and 0.00032; TOPMed 0.00015; gnomAD exomes 0.00039; ExAC 0.00044; 1000 Genomes Project 30x 0.00219; 1000 Genomes Project 0.00280.
gnomAD v4.1: 821 of 1,599,362 alleles (0.051%); highest among the groups gnomAD compares: East Asian, 1.8%; 7 homozygotes.

Submissions (4):

Labcorp Genetics (formerly Invitae), Labcorp
Classification: Benign for Orofacial cleft 6, susceptibility to; Van der Woude syndrome; Popliteal pterygium syndrome. Last evaluated: 2025-08-11. Review status: criteria provided, single submitter. Criteria: Invitae Variant Classification Sherloc (09022015). Collection method: clinical testing. Allele origin: germline.

PreventionGenetics, part of Exact Sciences
Classification: Benign for IRF6-related condition. Last evaluated: 2025-05-11. Review status: criteria provided, single submitter. Criteria: ACMG Guidelines, 2015. Collection method: clinical testing. Allele origin: germline.
Comment: This variant is classified as benign based on ACMG/AMP sequence variant interpretation guidelines (Richards et al. 2015 PMID: 25741868, with internal and published modifications).

Illumina Laboratory Services, Illumina
Classification: Likely benign for Orofacial cleft 6, susceptibility to. Last evaluated: 2017-04-27. Review status: criteria provided, single submitter. Criteria: ICSL Variant Classification Criteria 13 December 2019. Collection method: clinical testing. Allele origin: germline.
Comment: This variant was observed as part of a predisposition screen in an ostensibly healthy population. A literature search was performed for the gene, cDNA change, and amino acid change (where applicable). No publications were found based on this search. Allele frequency data from public databases allowed determination this variant is unlikely to cause disease. Therefore, this variant is classified as likely benign.

Illumina Laboratory Services, Illumina
Classification: Likely benign for Van der Woude syndrome 1. Last evaluated: 2017-04-27. Review status: criteria provided, single submitter. Criteria: ICSL Variant Classification Criteria 13 December 2019. Collection method: clinical testing. Allele origin: germline.
Comment: the same text as in the submission from Illumina Laboratory Services, Illumina above.